The following is an entry in ClinVar:

NM_000059.4(BRCA2):c.1366G>A (p.Glu456Lys)

Gene: BRCA2 (BRCA2 DNA repair associated; plus strand). Cytogenetic location: 13q13.1.
Variant type: single nucleotide variant.
Coding change: c.1366G>A on transcript NM_000059.4 (MANE Select); coding-DNA position 1366, G replaced by A.
Protein change: p.Glu456Lys; replaces glutamic acid 456 with lysine.
Molecular consequence: missense variant.
Genome position (GRCh38, 1-based): chr13:32,332,844, G>A. VCF-style: chr13-32332844-G-A. GRCh37 (hg19) VCF-style: chr13-32906981-G-A.
Other names: short protein forms E456K.
Identifiers: ClinVar variation 580671 (VCV000580671.15), dbSNP rs778142232, ClinGen allele CA6940513.

ClinVar aggregate classification (germline): Conflicting classifications of pathogenicity. Review status: criteria provided, conflicting classifications (1 of 4 stars). 4 submissions from 4 submitters: Uncertain significance (3); Likely benign (1). Last evaluated 2023-08-25.

Conditions:
Hereditary breast ovarian cancer syndrome. Also called: Hereditary breast and ovarian cancer syndrome; Hereditary breast and ovarian cancer syndrome (HBOC); BRCA1- and BRCA2-Associated Hereditary Breast and Ovarian Cancer; Hereditary breast and/or ovarian cancer syndrome; Hereditary breast and ovarian cancer; Breast and ovarian cancer. Identifiers: Orphanet 145, MedGen C0677776, MeSH D061325, MONDO:0003582. Disease mechanism: loss of function.
Hereditary cancer-predisposing syndrome. Also called: Neoplastic Syndromes, Hereditary; Tumor predisposition; Hereditary neoplastic syndrome; Hereditary Cancer Syndrome. Identifiers: Orphanet 140162, MedGen C0027672, MeSH D009386, MONDO:0015356.

Allele frequency attached by ClinVar (database versions not stated): gnomAD exomes below 0.00001; ExAC 0.00001.
gnomAD v4.1: 5 of 1,611,620 alleles (0.00031%); highest among the groups gnomAD compares: South Asian, 0.0055%; no homozygotes.

Submissions (4):

Labcorp Genetics (formerly Invitae), Labcorp
Classification: Uncertain significance for Hereditary breast ovarian cancer syndrome. Last evaluated: 2023-08-25. Review status: criteria provided, single submitter. Criteria: Invitae Variant Classification Sherloc (09022015). Collection method: clinical testing. Allele origin: germline.
Comment: This sequence change replaces glutamic acid, which is acidic and polar, with lysine, which is basic and polar, at codon 456 of the BRCA2 protein (p.Glu456Lys). This variant is present in population databases (rs778142232, gnomAD 0.003%). This variant has not been reported in the literature in individuals affected with BRCA2-related conditions. ClinVar contains an entry for this variant (Variation ID: 580671). Advanced modeling of protein sequence and biophysical properties (such as structural, functional, and spatial information, amino acid conservation, physicochemical variation, residue mobility, and thermodynamic stability) performed at Invitae indicates that this missense variant is not expected to disrupt BRCA2 protein function. In summary, the available evidence is currently insufficient to determine the role of this variant in disease. Therefore, it has been classified as a Variant of Uncertain Significance.

University of Washington Department of Laboratory Medicine, University of Washington
Classification: Likely benign for Hereditary cancer-predisposing syndrome. Last evaluated: 2023-03-23. Review status: criteria provided, single submitter. Criteria: Dines et al. (Genet Med. 2020). Collection method: curation. Allele origin: germline.
Comment: Missense variant in a coldspot region where missense variants are very unlikely to be pathogenic (PMID:31911673).

BRCA2 exon 10 coldspot. Reclassification based on statistical prior probability.

Ambry Genetics
Classification: Uncertain significance for Hereditary cancer-predisposing syndrome. Last evaluated: 2022-09-28. Review status: criteria provided, single submitter. Criteria: Ambry Variant Classification Scheme 2023. Collection method: clinical testing. Allele origin: germline.
Comment: The p.E456K variant (also known as c.1366G>A), located in coding exon 9 of the BRCA2 gene, results from a G to A substitution at nucleotide position 1366. The glutamic acid at codon 456 is replaced by lysine, an amino acid with similar properties. This amino acid position is conserved. In addition, this alteration is predicted to be tolerated by in silico analysis. Since supporting evidence is limited at this time, the clinical significance of this alteration remains unclear.

Color Diagnostics, LLC DBA Color Health
Classification: Uncertain significance for Hereditary cancer-predisposing syndrome. Last evaluated: 2019-06-01. Review status: criteria provided, single submitter. Criteria: ACMG Guidelines, 2015. Collection method: clinical testing. Allele origin: germline.